The following is an entry in ClinVar:

ClinVar aggregate classification (germline): Benign/Likely benign. Review status: criteria provided, multiple submitters, no conflicts (2 of 4 stars). 4 submissions from 4 submitters: Benign (1); Likely benign (2). 1 of the submissions does not count toward it. Last evaluated 2025-12-22.

Conditions:
FCSK-related disorder. Also called: FCSK-related condition.

Allele frequency attached by ClinVar (database versions not stated): 1000 Genomes Project 0.00120; 1000 Genomes Project 30x 0.00156; ExAC 0.00285; gnomAD 0.00330; TOPMed 0.00355; ESP Exome Variant Server 0.00414; gnomAD exomes 0.00469.
gnomAD v4.1: 7,311 of 1,612,704 alleles (0.45%); highest among the groups gnomAD compares: Non-Finnish European, 0.57%; 23 homozygotes.

Submissions (4):

Labcorp Genetics (formerly Invitae), Labcorp
Classification: Benign. Last evaluated: 2025-12-22. Review status: criteria provided, single submitter. Criteria: Invitae Variant Classification Sherloc (09022015). Collection method: clinical testing. Allele origin: germline.

Blueprint Genetics
Classification: Likely benign. Last evaluated: 2024-11-27. Review status: criteria provided, single submitter. Criteria: ACMG Guidelines, 2015. Collection method: clinical testing. Allele origin: germline.

CeGaT Center for Human Genetics Tuebingen
Classification: Likely benign. Last evaluated: 2023-03-01. Review status: criteria provided, single submitter. Criteria: CeGaT Center For Human Genetics Tuebingen Variant Classification Criteria Version 2. Collection method: clinical testing. Allele origin: germline. Affected: yes. Observed: 1 variant allele.
Comment: FCSK: BP4, BP7, BS2

PreventionGenetics, part of Exact Sciences
Classification: Likely benign for FCSK-related condition. Last evaluated: 2019-08-26. Review status: no assertion criteria provided. Collection method: clinical testing. Allele origin: germline. Not counted in ClinVar's aggregate classification.
Comment: This variant is classified as likely benign based on ACMG/AMP sequence variant interpretation guidelines (Richards et al. 2015 PMID: 25741868, with internal and published modifications).

NM_145059.3(FCSK):c.1044C>G (p.Ala348=)

Gene: FCSK (fucose kinase; plus strand). Cytogenetic location: 16q22.1.
Variant type: single nucleotide variant.
Coding change: c.1044C>G on transcript NM_145059.3 (MANE Select); coding-DNA position 1044, C replaced by G.
Protein change: p.Ala348=; no amino-acid change (alanine 348 retained).
Molecular consequence: synonymous variant.
Genome position (GRCh38, 1-based): chr16:70,470,402, C>G. VCF-style: chr16-70470402-C-G. GRCh37 (hg19) VCF-style: chr16-70504305-C-G.
Other names: c.1044C>G (NM_145059.2).
Identifiers: ClinVar variation 2052560 (VCV002052560.30), dbSNP rs17880985, ClinGen allele CA8143171.